The following is an entry in ClinVar:

ClinVar aggregate classification (germline): Likely pathogenic (1 of 4 stars; one submission).

Submission:

Labcorp Genetics (formerly Invitae), Labcorp
Classification: Likely pathogenic. Last evaluated: 2023-11-17. Review status: criteria provided, single submitter. Criteria: Invitae Variant Classification Sherloc (09022015). Collection method: clinical testing. Allele origin: germline.
Comment: This sequence change affects a donor splice site in intron 4 of the NUP107 gene. It is expected to disrupt RNA splicing. Variants that disrupt the donor or acceptor splice site typically lead to a loss of protein function (PMID: 16199547), and loss-of-function variants in NUP107 are known to be pathogenic (PMID: 27190346). This variant is not present in population databases (gnomAD no frequency). This variant has not been reported in the literature in individuals affected with NUP107-related conditions. Algorithms developed to predict the effect of sequence changes on RNA splicing suggest that this variant may disrupt the consensus splice site. In summary, the currently available evidence indicates that the variant is pathogenic, but additional data are needed to prove that conclusively. Therefore, this variant has been classified as Likely Pathogenic.

Literature cited by the submitters: PubMed 16199547; PubMed 27190346.

NM_020401.4(NUP107):c.303+2T>C

Gene: NUP107 (nucleoporin 107; plus strand). Cytogenetic location: 12q15.
Variant type: single nucleotide variant.
Coding change: c.303+2T>C on transcript NM_020401.4 (MANE Select); the canonical splice donor site of the intron after coding-DNA position 303, T replaced by C.
Molecular consequence: splice donor variant.
Genome position (GRCh38, 1-based): chr12:68,690,748, T>C. VCF-style: chr12-68690748-T-C. GRCh37 (hg19) VCF-style: chr12-69084528-T-C.
Other names: c.216+2T>C (NM_001330192.2).
Identifiers: ClinVar variation 2788258 (VCV002788258.3), dbSNP rs918323808, ClinGen allele CA238431496.